The following is an entry in ClinVar:

ClinVar aggregate classification (germline): Conflicting classifications of pathogenicity. Review status: criteria provided, conflicting classifications (1 of 4 stars). 2 submissions from 2 submitters: Uncertain significance (1); Likely benign (1). Last evaluated 2026-08-28.

Conditions:
Cardiovascular phenotype. Identifiers: MedGen CN230736.
Primary dilated cardiomyopathy (DCM). Also called: Dilated Cardiomyopathy. Identifiers: Orphanet 217604, MedGen C0007193, MeSH D002311, MONDO:0005021, HP:0001644. Inheritance: Various modes of inheritance.

Submissions (2):

Ambry Genetics
Classification: Likely benign for Cardiovascular phenotype. Last evaluated: 2026-08-28. Review status: criteria provided, single submitter. Criteria: Ambry Variant Classification Scheme 2023. Collection method: clinical testing. Allele origin: germline.

Labcorp Genetics (formerly Invitae), Labcorp
Classification: Uncertain significance for Primary dilated cardiomyopathy. Last evaluated: 2023-05-23. Review status: criteria provided, single submitter. Criteria: Invitae Variant Classification Sherloc (09022015). Collection method: clinical testing. Allele origin: germline.
Comment: Advanced modeling of protein sequence and biophysical properties (such as structural, functional, and spatial information, amino acid conservation, physicochemical variation, residue mobility, and thermodynamic stability) performed at Invitae indicates that this missense variant is not expected to disrupt TXNRD2 protein function. ClinVar contains an entry for this variant (Variation ID: 1767383). This variant has not been reported in the literature in individuals affected with TXNRD2-related conditions. This variant is not present in population databases (gnomAD no frequency). This sequence change replaces valine, which is neutral and non-polar, with isoleucine, which is neutral and non-polar, at codon 319 of the TXNRD2 protein (p.Val319Ile). In summary, the available evidence is currently insufficient to determine the role of this variant in disease. Therefore, it has been classified as a Variant of Uncertain Significance.

NM_006440.5(TXNRD2):c.955G>A (p.Val319Ile)

Gene: TXNRD2 (thioredoxin reductase 2; minus strand). Cytogenetic location: 22q11.21.
Variant type: single nucleotide variant.
Coding change: c.955G>A on transcript NM_006440.5 (MANE Select); coding-DNA position 955, G replaced by A.
Protein change: p.Val319Ile; replaces valine 319 with isoleucine.
Molecular consequence: missense variant. On other transcripts: non-coding transcript variant (1).
Genome position (GRCh38, 1-based): chr22:19,883,456, C>T on the plus strand (G>A on the coding strand, the complement: TXNRD2 is on the minus strand). VCF-style: chr22-19883456-C-T. GRCh37 (hg19) VCF-style: chr22-19870979-C-T.
Other names: c.952G>A, p.Val318Ile (NM_001352300.2); c.865G>A, p.Val289Ile (NM_001352301.2); c.667G>A, p.Val223Ile (NM_001352302.2); short protein forms V289I, V223I, V318I, V319I.
Identifiers: ClinVar variation 1767383 (VCV001767383.10), dbSNP rs2517283039, ClinGen allele CA410683083.